The following is an entry in ClinVar:

ClinVar aggregate classification (germline): Uncertain significance (1 of 4 stars; one submission).

Allele frequency attached by ClinVar (database versions not stated): gnomAD exomes 0.00001; TOPMed 0.00001.
gnomAD v4.1: 9 of 1,613,400 alleles (0.00056%); highest among the groups gnomAD compares: Middle Eastern, 0.017%; no homozygotes.

Submission:

Labcorp Genetics (formerly Invitae), Labcorp
Classification: Uncertain significance. Last evaluated: 2021-12-12. Review status: criteria provided, single submitter. Criteria: Invitae Variant Classification Sherloc (09022015). Collection method: clinical testing. Allele origin: germline.
Comment: This sequence change replaces alanine, which is neutral and non-polar, with threonine, which is neutral and polar, at codon 422 of the PCLO protein (p.Ala422Thr). This variant is present in population databases (rs771182412, gnomAD 0.009%). This variant has not been reported in the literature in individuals affected with PCLO-related conditions. Algorithms developed to predict the effect of missense changes on protein structure and function output the following: SIFT: "Tolerated"; PolyPhen-2: "Possibly Damaging"; Align-GVGD: "Class C0". The threonine amino acid residue is found in multiple mammalian species, which suggests that this missense change does not adversely affect protein function. In summary, the available evidence is currently insufficient to determine the role of this variant in disease. Therefore, it has been classified as a Variant of Uncertain Significance.

NM_033026.6(PCLO):c.1264G>A (p.Ala422Thr)

Gene: PCLO (piccolo presynaptic cytomatrix protein; minus strand). Cytogenetic location: 7q21.11.
Variant type: single nucleotide variant.
Coding change: c.1264G>A on transcript NM_033026.6 (MANE Select); coding-DNA position 1264, G replaced by A.
Protein change: p.Ala422Thr; replaces alanine 422 with threonine.
Molecular consequence: missense variant.
Genome position (GRCh38, 1-based): chr7:83,155,377, C>T on the plus strand (G>A on the coding strand, the complement: PCLO is on the minus strand). VCF-style: chr7-83155377-C-T. GRCh37 (hg19) VCF-style: chr7-82784693-C-T.
Other names: c.1264G>A, p.Ala422Thr (NM_014510.3); short protein forms A422T.
Identifiers: ClinVar variation 2198233 (VCV002198233.1), dbSNP rs771182412, ClinGen allele CA161191088.